The following is an entry in ClinVar:

NM_000277.3(PAH):c.686A>G (p.Asp229Gly)

Gene: PAH (phenylalanine hydroxylase; minus strand). Cytogenetic location: 12q23.2.
Variant type: single nucleotide variant.
Coding change: c.686A>G on transcript NM_000277.3 (MANE Select); coding-DNA position 686, A replaced by G.
Protein change: p.Asp229Gly; replaces aspartic acid 229 with glycine.
Molecular consequence: missense variant.
Genome position (GRCh38, 1-based): chr12:102,855,156, T>C on the plus strand (A>G on the coding strand, the complement: PAH is on the minus strand). VCF-style: chr12-102855156-T-C. GRCh37 (hg19) VCF-style: chr12-103248934-T-C.
Other names: NM_000277.1:c.686A>G; c.686A>G, p.Asp229Gly (NM_001354304.2); short protein forms D229G.
Identifiers: ClinVar variation 3393467 (VCV003393467.1).
Genomic context (GRCh38, chr12:102,855,156, plus strand): 5'-CCAACTTTCTGCAGGGCCATTGACCCTGATGTGGACTTACTCTGCAGGAACTGAGAAACG[T>C]CTTCCAGCTGGGGAATGTTATCTTCATGGAAGCCACAGTACTTTTCAAGAAGTGGAAAAA-3'
Protein context (NP_000268.1, residues 219-239): FHEDNIPQLE[Asp229Gly]VSQFLQTCTG

ClinVar aggregate classification (germline): Likely pathogenic (3 of 4 stars; one submission).

Conditions:
Phenylketonuria (PKU). Also called: FOLLING DISEASE; OLIGOPHRENIA PHENYLPYRUVICA; Phenylketonurias; Phenylketonuria (PKU). Identifiers: Orphanet 716, MedGen C0031485, MONDO:0009861, OMIM 261600. Disease mechanism: loss of function.

Submission:

ClinGen PAH Variant Curation Expert Panel
Classification: Likely pathogenic for Phenylketonuria. Last evaluated: 2024-09-06. Review status: reviewed by expert panel. Criteria: ClinGen PAH ACMG Specifications v1. Collection method: curation. Allele origin: germline. Inheritance: Autosomal recessive inheritance.
Comment: The c.686A>G (p.Asp229Gly) variant in PAH has been reported in 1 individual with PAH deficiency, detected with pathogenic variant p.R408W (PMID: 23357515). This variant is absent in population databases. Computational evidence supports a deleterious effect (REVEL=0.922). Functional studies show the p.Asp229Gly mutant had 0% residual activity as compared to WT PAH activity and decreased protein levels (PMID: 31208052). In summary, this variant meets criteria to be classified as likely pathogenic for PAH. PAH-specific ACMG/AMP criteria applied: PS3_supporting, PP4, PM2_supporting, PM3_supporting, PP3_moderate.

Literature cited by the submitters: PubMed 31208052; PubMed 23357515.